The following is an entry in ClinVar:

ClinVar aggregate classification (germline): Uncertain significance. Review status: criteria provided, multiple submitters, no conflicts (2 of 4 stars). 9 submissions from 9 submitters: Uncertain significance (9). Last evaluated 2026-04-07.

Conditions:
DES-related disorder. Also called: DES-related condition.
Cardiovascular phenotype. Identifiers: MedGen CN230736.
Desmin-related myofibrillar myopathy (MFM1). Also called: MYOFIBRILLAR MYOPATHY WITH ARRHYTHMOGENIC RIGHT VENTRICULAR CARDIOMYOPATHY; DESMIN-RELATED MYOPATHY WITH ARRHYTHMOGENIC RIGHT VENTRICULAR CARDIOMYOPATHY; Myofibrillar myopathy 1; Desminopathy; Desmin related myopathy (former name); Desmin storage myopathy (former name). Identifiers: Orphanet 363543, Orphanet 98909, MedGen C1832370, MONDO:0011076, OMIM 601419.
Dilated cardiomyopathy 1I (CMD1I). Identifiers: Orphanet 154, MedGen C1858154, MONDO:0011482, OMIM 604765.
Neurogenic scapuloperoneal syndrome, Kaeser type (SCPNK). Also called: KAESER SYNDROME. Identifiers: Orphanet 85146, MedGen C1867005, MONDO:0008407, OMIM 181400.
Cardiomyopathy (CMYO). Also called: Cardiomyopathies. Identifiers: Orphanet 167848, MedGen C0878544, MONDO:0004994, HP:0001638. Inheritance: Various modes of inheritance.

Allele frequency attached by ClinVar (database versions not stated): gnomAD 0.00001; TOPMed 0.00001; ExAC 0.00002; gnomAD exomes 0.00002 and 0.00005.
gnomAD v4.1: 69 of 1,613,872 alleles (0.0043%); highest among the groups gnomAD compares: Non-Finnish European, 0.0057%; no homozygotes.

Submissions (9):

PreventionGenetics, part of Exact Sciences
Classification: Uncertain significance for DES-related condition. Last evaluated: 2026-04-07. Review status: criteria provided, single submitter. Criteria: ACMG Guidelines, 2015. Collection method: clinical testing. Allele origin: germline.
Comment: The DES c.1027G>A variant is predicted to result in the amino acid substitution p.Asp343Asn. This variant has been reported as a variant of uncertain significance in an individual with dilated cardiomyopathy (Table S9, McGurk et al. 2023. PubMed ID: 37652022). This variant is reported in 0.0054% of alleles in individuals of East Asian descent in gnomAD. At this time, the clinical significance of this variant is uncertain due to the absence of conclusive functional and genetic evidence.

Labcorp Genetics (formerly Invitae), Labcorp
Classification: Uncertain significance for Desmin-related myofibrillar myopathy. Last evaluated: 2026-02-01. Review status: criteria provided, single submitter. Criteria: Invitae Variant Classification Sherloc (09022015). Collection method: clinical testing. Allele origin: germline.
Comment: This sequence change replaces aspartic acid, which is acidic and polar, with asparagine, which is neutral and polar, at codon 343 of the DES protein (p.Asp343Asn). This variant is present in population databases (rs763903197, gnomAD 0.006%). This missense change has been observed in individual(s) with DES-related conditions (PMID: 37652022). ClinVar contains an entry for this variant (Variation ID: 201706). Invitae Evidence Modeling of protein sequence and biophysical properties (such as structural, functional, and spatial information, amino acid conservation, physicochemical variation, residue mobility, and thermodynamic stability) has been performed for this missense variant. However, the output from this modeling did not meet the statistical confidence thresholds required to predict the impact of this variant on DES protein function. In summary, the available evidence is currently insufficient to determine the role of this variant in disease. Therefore, it has been classified as a Variant of Uncertain Significance.

Ambry Genetics
Classification: Uncertain significance for Cardiovascular phenotype. Last evaluated: 2024-11-09. Review status: criteria provided, single submitter. Criteria: Ambry Variant Classification Scheme 2023. Collection method: clinical testing. Allele origin: germline.
Comment: The p.D343N variant (also known as c.1027G>A), located in coding exon 6 of the DES gene, results from a G to A substitution at nucleotide position 1027. The aspartic acid at codon 343 is replaced by asparagine, an amino acid with highly similar properties. This variant has been reported in an individual(s) in a dilated cardiomyopathy (DCM) cohort, but clinical details were limited (Mazzarotto F et al. Circulation, 2020 Feb;141:387-398). This amino acid position is well conserved in available vertebrate species. In addition, the in silico prediction for this alteration is inconclusive. Based on the available evidence, the clinical significance of this variant remains unclear.

CHEO Genetics Diagnostic Laboratory, Children's Hospital of Eastern Ontario
Classification: Uncertain significance for Cardiomyopathy. Last evaluated: 2023-03-29. Review status: criteria provided, single submitter. Criteria: ACMG Guidelines, 2015. Collection method: clinical testing. Allele origin: germline.

Blueprint Genetics
Classification: Uncertain significance. Last evaluated: 2023-02-28. Review status: criteria provided, single submitter. Criteria: ACMG Guidelines, 2015. Collection method: clinical testing. Allele origin: germline.

GeneDx
Classification: Uncertain significance. Last evaluated: 2022-06-10. Review status: criteria provided, single submitter. Criteria: GeneDx Variant Classification Process June 2021. Collection method: clinical testing. Allele origin: germline. Affected: yes.
Comment: Has not been previously published as pathogenic or benign to our knowledge; Not observed at significant frequency in large population cohorts (gnomAD); In silico analysis supports that this missense variant does not alter protein structure/function; This variant is associated with the following publications: (PMID: 26807690)

Fulgent Genetics
Classification: Uncertain significance for Neurogenic scapuloperoneal syndrome, Kaeser type; Desmin-related myofibrillar myopathy; Dilated cardiomyopathy 1I. Last evaluated: 2021-08-24. Review status: criteria provided, single submitter. Criteria: ACMG Guidelines, 2015. Collection method: clinical testing. Allele origin: unknown.

Revvity Omics, Revvity
Classification: Uncertain significance. Last evaluated: 2019-05-24. Review status: criteria provided, single submitter. Criteria: ACMG Guidelines, 2015. Collection method: clinical testing. Allele origin: germline.

Eurofins Ntd Llc (ga)
Classification: Uncertain significance. Last evaluated: 2017-01-30. Review status: criteria provided, single submitter. Criteria: EGL Classification Definitions 2015. Collection method: clinical testing. Allele origin: germline. Observed: 2 variant alleles, 2 heterozygotes.

Literature cited by the submitters: PubMed 37652022 (cited by Labcorp Genetics (formerly Invitae), Labcorp); PubMed 31983221 (cited by Ambry Genetics).

NM_001927.4(DES):c.1027G>A (p.Asp343Asn)

Gene: DES (desmin; plus strand). Cytogenetic location: 2q35.
Variant type: single nucleotide variant.
Coding change: c.1027G>A on transcript NM_001927.4 (MANE Select); coding-DNA position 1027, G replaced by A.
Protein change: p.Asp343Asn; replaces aspartic acid 343 with asparagine.
Molecular consequence: missense variant.
Genome position (GRCh38, 1-based): chr2:219,421,343, G>A. VCF-style: chr2-219421343-G-A. GRCh37 (hg19) VCF-style: chr2-220286065-G-A.
Other names: p.D343N:GAT>AAT; c.1027G>A (LRG_380t1); short protein forms D343N.
Identifiers: ClinVar variation 201706 (VCV000201706.22), dbSNP rs763903197, ClinGen allele CA308272.